The following is an entry in ClinVar:

NM_001278064.2(GRM1):c.3013G>A (p.Ala1005Thr)

Gene: GRM1 (glutamate metabotropic receptor 1; plus strand). Cytogenetic location: 6q24.3.
Variant type: single nucleotide variant.
Coding change: c.3013G>A on transcript NM_001278064.2 (MANE Select); coding-DNA position 3013, G replaced by A.
Protein change: p.Ala1005Thr; replaces alanine 1005 with threonine.
Molecular consequence: missense variant. On other transcripts: 3 prime UTR variant (3).
Genome position (GRCh38, 1-based): chr6:146,434,224, G>A. VCF-style: chr6-146434224-G-A. GRCh37 (hg19) VCF-style: chr6-146755360-G-A.
Other names: NM_000838.3:c.3013G>A; c.*377G>A (NM_001278065.2); c.*342G>A (NM_001278066.1); c.*251G>A (NM_001278067.1); short protein forms A1005T.
Identifiers: ClinVar variation 1922143 (VCV001922143.14), dbSNP rs1018640655, ClinGen allele CA149303126.

ClinVar aggregate classification (germline): Uncertain significance. Review status: criteria provided, multiple submitters, no conflicts (2 of 4 stars). 3 submissions from 3 submitters: Uncertain significance (3). Last evaluated 2025-12-06.

Conditions:
Inborn genetic diseases. Identifiers: MedGen C0950123, MeSH D030342.

Allele frequency attached by ClinVar (database versions not stated): gnomAD exomes 0.00001; gnomAD 0.00002; TOPMed 0.00003.
gnomAD v4.1: 19 of 1,606,924 alleles (0.0012%); highest among the groups gnomAD compares: Non-Finnish European, 0.0014%; no homozygotes.

Submissions (3):

Labcorp Genetics (formerly Invitae), Labcorp
Classification: Uncertain significance. Last evaluated: 2025-12-06. Review status: criteria provided, single submitter. Criteria: Invitae Variant Classification Sherloc (09022015). Collection method: clinical testing. Allele origin: germline.
Comment: This sequence change replaces alanine, which is neutral and non-polar, with threonine, which is neutral and polar, at codon 1005 of the GRM1 protein (p.Ala1005Thr). The frequency data for this variant in the population databases is considered unreliable, as metrics indicate poor data quality at this position in the gnomAD database. This variant has not been reported in the literature in individuals affected with GRM1-related conditions. ClinVar contains an entry for this variant (Variation ID: 1922143). An algorithm developed to predict the effect of missense changes on protein structure and function (PolyPhen-2) suggests that this variant is likely to be tolerated. In summary, the available evidence is currently insufficient to determine the role of this variant in disease. Therefore, it has been classified as a Variant of Uncertain Significance.

CeGaT Center for Human Genetics Tuebingen
Classification: Uncertain significance. Last evaluated: 2025-08-01. Review status: criteria provided, single submitter. Criteria: CeGaT Center For Human Genetics Tuebingen Variant Classification Criteria Version 2. Collection method: clinical testing. Allele origin: germline. Affected: yes. Observed: 1 variant allele.
Comment: GRM1: PM2, BP4

Ambry Genetics
Classification: Uncertain significance for Inborn genetic diseases. Last evaluated: 2021-11-05. Review status: criteria provided, single submitter. Criteria: Ambry Variant Classification Scheme 2023. Collection method: clinical testing. Allele origin: germline.